The following is an entry in ClinVar:

NM_181789.4(GLDN):c.1160G>A (p.Gly387Asp)

Gene: GLDN (gliomedin; plus strand). Cytogenetic location: 15q21.2.
Variant type: single nucleotide variant.
Coding change: c.1160G>A on transcript NM_181789.4 (MANE Select); coding-DNA position 1160, G replaced by A.
Protein change: p.Gly387Asp; replaces glycine 387 with aspartic acid.
Molecular consequence: missense variant.
Genome position (GRCh38, 1-based): chr15:51,401,725, G>A. VCF-style: chr15-51401725-G-A. GRCh37 (hg19) VCF-style: chr15-51693922-G-A.
Other names: c.788G>A, p.Gly263Asp (NM_001330297.2); c.1160G>A (NM_181789.3); short protein forms G387D, G263D.
Identifiers: ClinVar variation 2314538 (VCV002314538.3), dbSNP rs776856952, ClinGen allele CA7560682.

ClinVar aggregate classification (germline): Uncertain significance. Review status: criteria provided, multiple submitters, no conflicts (2 of 4 stars). 2 submissions from 2 submitters: Uncertain significance (2). Last evaluated 2023-07-17.

Conditions:
Lethal congenital contracture syndrome 11 (LCCS11). Identifiers: MedGen C4310670, MONDO:0014965, OMIM 617194.
Inborn genetic diseases. Identifiers: MedGen C0950123, MeSH D030342.

Allele frequency attached by ClinVar (database versions not stated): gnomAD exomes below 0.00001; ExAC 0.00002; TOPMed 0.00002.
gnomAD v4.1: 6 of 1,613,960 alleles (0.00037%); highest among the groups gnomAD compares: South Asian, 0.0055%; no homozygotes.

Submissions (2):

Victorian Clinical Genetics Services, Murdoch Childrens Research Institute
Classification: Uncertain significance for Lethal congenital contracture syndrome 11. Last evaluated: 2023-07-17. Review status: criteria provided, single submitter. Criteria: ACMG Guidelines, 2015. Collection method: clinical testing. Allele origin: germline. Inheritance: Autosomal recessive inheritance. Affected: yes.
Comment: Based on the classification scheme VCGS_Germline_v1.3.4, this variant is classified as VUS-3B. Following criteria are met: 0102 - Loss of function is a known mechanism of disease in this gene and is associated with lethal congenital contracture syndrome 11 (MIM#617194). (I) 0106 - This gene is associated with autosomal recessive disease. (I) 0200 - Variant is predicted to result in a missense amino acid change from glycine to aspartic acid. (I) 0252 - This variant is homozygous. (I) 0304 - Variant is present in gnomAD <0.01 for a recessive condition (v2: 2 heterozygotes, 0 homozygotes). (SP) 0309 - An alternative amino acid change at the same position has been observed in gnomAD (v2: 1 heterozygote, 0 homozygotes). (I) 0502 - Missense variant with conflicting in silico predictions and uninformative conservation. (I) 0600 - Variant is located in the annotated Olfactomedin-like domain (DECIPHER). (I) 0705 - No comparable missense variants have previous evidence for pathogenicity. (I) 0807 - This variant has no previous evidence of pathogenicity. (I) 0905 - No published segregation evidence has been identified for this variant. (I) 1007 - No published functional evidence has been identified for this variant. (I) Legend: (SP) - Supporting pathogenic, (I) - Information, (SB) - Supporting benign

Ambry Genetics
Classification: Uncertain significance for Inborn genetic diseases. Last evaluated: 2022-12-23. Review status: criteria provided, single submitter. Criteria: Ambry Variant Classification Scheme 2023. Collection method: clinical testing. Allele origin: germline.